The following is an entry in ClinVar:

NM_022552.5(DNMT3A):c.840C>T (p.Asp280=)

Gene: DNMT3A (DNA methyltransferase 3 alpha; minus strand). Cytogenetic location: 2p23.3.
Variant type: single nucleotide variant.
Coding change: c.840C>T on transcript NM_022552.5 (MANE Select); coding-DNA position 840, C replaced by T.
Protein change: p.Asp280=; no amino-acid change (aspartic acid 280 retained).
Molecular consequence: synonymous variant. On other transcripts: non-coding transcript variant (1).
Genome position (GRCh38, 1-based): chr2:25,248,052, G>A on the plus strand (C>T on the coding strand, the complement: DNMT3A is on the minus strand). VCF-style: chr2-25248052-G-A. GRCh37 (hg19) VCF-style: chr2-25470921-G-A.
Other names: c.840C>T (NM_022552.3); c.384C>T, p.Asp128= (NM_001320893.1); c.171C>T, p.Asp57= (NM_001375819.1); c.273C>T, p.Asp91= (NM_153759.3); c.840C>T, p.Asp280= (NM_175629.2).
Identifiers: ClinVar variation 2102097 (VCV002102097.7), dbSNP rs148165249, ClinGen allele CA1556289.

ClinVar aggregate classification (germline): Likely benign. Review status: criteria provided, multiple submitters, no conflicts (2 of 4 stars). 3 submissions from 3 submitters: Likely benign (2). 1 of the submissions does not count toward it. Last evaluated 2025-11-28.

Conditions:
Inborn genetic diseases. Identifiers: MedGen C0950123, MeSH D030342.
DNMT3A-related disorder. Also called: DNMT3A-related disorders; DNMT3A-related condition.
Tatton-Brown-Rahman overgrowth syndrome. Also called: Tall stature-intellectual disability-facial dysmorphism syndrome; Tatton-Brown-Rahman syndrome. Identifiers: Orphanet 404443, MedGen C4014545, MONDO:0014382, OMIM 615879.

Allele frequency attached by ClinVar (database versions not stated): TOPMed 0.00005; gnomAD exomes 0.00006; ExAC 0.00007; ESP Exome Variant Server 0.00008; gnomAD 0.00008.

Submissions (3):

Labcorp Genetics (formerly Invitae), Labcorp
Classification: Likely benign for Tatton-Brown-Rahman overgrowth syndrome. Last evaluated: 2025-11-28. Review status: criteria provided, single submitter. Criteria: Invitae Variant Classification Sherloc (09022015). Collection method: clinical testing. Allele origin: germline.

Ambry Genetics
Classification: Likely benign for Inborn genetic diseases. Last evaluated: 2024-12-20. Review status: criteria provided, single submitter. Criteria: Ambry Variant Classification Scheme 2023. Collection method: clinical testing. Allele origin: germline.

PreventionGenetics, part of Exact Sciences
Classification: Likely benign for DNMT3A-related condition. Last evaluated: 2023-09-27. Review status: no assertion criteria provided. Collection method: clinical testing. Allele origin: germline. Not counted in ClinVar's aggregate classification.
Comment: This variant is classified as likely benign based on ACMG/AMP sequence variant interpretation guidelines (Richards et al. 2015 PMID: 25741868, with internal and published modifications).